The following is an entry in ClinVar:

ClinVar aggregate classification (germline): Likely benign. Review status: criteria provided, single submitter (1 of 4 stars). 2 submissions from 2 submitters: Likely benign (1). 1 of the submissions does not count toward it. Last evaluated 2025-02-08.

Conditions:
TBX3-related disorder. Also called: TBX3-related condition.
Ulnar-mammary syndrome (UMS). Also called: Ulnar-mammary syndrome of Pallister; PALLISTER ULNAR-MAMMARY SYNDROME; SCHINZEL SYNDROME. Identifiers: Orphanet 3138, MedGen C1866994, MONDO:0008411, OMIM 181450.

Allele frequency attached by ClinVar (database versions not stated): gnomAD exomes 0.00001; ExAC 0.00002; gnomAD 0.00003; TOPMed 0.00011; 1000 Genomes Project 30x 0.00016; 1000 Genomes Project 0.00020.

Submissions (2):

Labcorp Genetics (formerly Invitae), Labcorp
Classification: Likely benign for Ulnar-mammary syndrome. Last evaluated: 2025-02-08. Review status: criteria provided, single submitter. Criteria: Invitae Variant Classification Sherloc (09022015). Collection method: clinical testing. Allele origin: germline.

PreventionGenetics, part of Exact Sciences
Classification: Likely benign for TBX3-related condition. Last evaluated: 2021-05-26. Review status: no assertion criteria provided. Collection method: clinical testing. Allele origin: germline. Not counted in ClinVar's aggregate classification.
Comment: This variant is classified as likely benign based on ACMG/AMP sequence variant interpretation guidelines (Richards et al. 2015 PMID: 25741868, with internal and published modifications).

NM_005996.4(TBX3):c.2046C>T (p.Ser682=)

Gene: TBX3 (T-box transcription factor 3; minus strand). Cytogenetic location: 12q24.21.
Variant type: single nucleotide variant.
Coding change: c.2046C>T on transcript NM_005996.4 (MANE Select); coding-DNA position 2046, C replaced by T.
Protein change: p.Ser682=; no amino-acid change (serine 682 retained).
Molecular consequence: synonymous variant.
Genome position (GRCh38, 1-based): chr12:114,671,967, G>A on the plus strand (C>T on the coding strand, the complement: TBX3 is on the minus strand). VCF-style: chr12-114671967-G-A. GRCh37 (hg19) VCF-style: chr12-115109772-G-A.
Other names: c.2106C>T (NM_016569.3); c.2106C>T, p.Ser702= (NM_016569.4).
Identifiers: ClinVar variation 2040524 (VCV002040524.6), dbSNP rs540956279, ClinGen allele CA6809790.